The following is an entry in ClinVar:

NM_000718.4(CACNA1B):c.6547G>A (p.Gly2183Ser)

Gene: CACNA1B (calcium voltage-gated channel subunit alpha1 B; plus strand). Cytogenetic location: 9q34.3.
Variant type: single nucleotide variant.
Coding change: c.6547G>A on transcript NM_000718.4 (MANE Select); coding-DNA position 6547, G replaced by A.
Protein change: p.Gly2183Ser; replaces glycine 2183 with serine.
Molecular consequence: missense variant. On other transcripts: intron variant (1).
Genome position (GRCh38, 1-based): chr9:138,121,526, G>A. VCF-style: chr9-138121526-G-A. GRCh37 (hg19) VCF-style: chr9-141015978-G-A.
Other names: c.6547G>A (NM_000718.3); c.6490-130G>A (NM_001243812.2); short protein forms G2183S.
Identifiers: ClinVar variation 2065641 (VCV002065641.3), dbSNP rs372031598, ClinGen allele CA5377756.

ClinVar aggregate classification (germline): Uncertain significance. Review status: criteria provided, multiple submitters, no conflicts (2 of 4 stars). 3 submissions from 3 submitters: Uncertain significance (3). Last evaluated 2025-09-25.

Allele frequency attached by ClinVar (database versions not stated): ExAC 0.00003; gnomAD 0.00001; ESP Exome Variant Server 0.00017; gnomAD exomes 0.00001.
gnomAD v4.1: 23 of 1,568,120 alleles (0.0015%); highest among the groups gnomAD compares: African/African-American, 0.0041%; no homozygotes.

Submissions (3):

Ambry Genetics
Classification: Uncertain significance. Last evaluated: 2025-09-25. Review status: criteria provided, single submitter. Criteria: Ambry Variant Classification Scheme 2023. Collection method: clinical testing. Allele origin: germline.

Labcorp Genetics (formerly Invitae), Labcorp
Classification: Uncertain significance. Last evaluated: 2022-08-15. Review status: criteria provided, single submitter. Criteria: Invitae Variant Classification Sherloc (09022015). Collection method: clinical testing. Allele origin: germline.
Comment: This sequence change replaces glycine, which is neutral and non-polar, with serine, which is neutral and polar, at codon 2183 of the CACNA1B protein (p.Gly2183Ser). This variant is present in population databases (rs372031598, gnomAD 0.009%). This variant has not been reported in the literature in individuals affected with CACNA1B-related conditions. Advanced modeling of protein sequence and biophysical properties (such as structural, functional, and spatial information, amino acid conservation, physicochemical variation, residue mobility, and thermodynamic stability) performed at Invitae indicates that this missense variant is not expected to disrupt CACNA1B protein function. In summary, the available evidence is currently insufficient to determine the role of this variant in disease. Therefore, it has been classified as a Variant of Uncertain Significance.

GeneDx
Classification: Uncertain significance. Last evaluated: 2022-07-22. Review status: criteria provided, single submitter. Criteria: GeneDx Variant Classification Process June 2021. Collection method: clinical testing. Allele origin: germline. Affected: yes.
Comment: In silico analysis supports that this missense variant does not alter protein structure/function; Has not been previously published as pathogenic or benign to our knowledge; Variants in candidate genes are classified as variants of uncertain significance in accordance with ACMG guidelines (Richards et al., 2015)